The following is an entry in ClinVar:

ClinVar aggregate classification (germline): Uncertain significance (1 of 4 stars; one submission).

Submission:

Labcorp Genetics (formerly Invitae), Labcorp
Classification: Uncertain significance. Last evaluated: 2023-11-22. Review status: criteria provided, single submitter. Criteria: Invitae Variant Classification Sherloc (09022015). Collection method: clinical testing. Allele origin: germline.
Comment: This sequence change creates a premature translational stop signal (p.Met2036Asnfs*9) in the NIN gene. It is expected to result in an absent or disrupted protein product. However, the current clinical and genetic evidence is not sufficient to establish whether loss-of-function variants in NIN cause disease. This variant is not present in population databases (gnomAD no frequency). This variant has not been reported in the literature in individuals affected with NIN-related conditions. In summary, the available evidence is currently insufficient to determine the role of this variant in disease. Therefore, it has been classified as a Variant of Uncertain Significance.

NM_020921.4(NIN):c.6106dup (p.Met2036fs)

Gene: NIN (ninein; minus strand). Cytogenetic location: 14q22.1.
Variant type: Duplication.
Coding change: c.6106dup on transcript NM_020921.4 (MANE Select); coding-DNA position 6106, one base duplicated (A; older notation c.6106dupA).
Protein change: p.Met2036fs; shifts the reading frame from methionine 2036.
Molecular consequence: frameshift variant.
Genome position (GRCh38, 1-based): chr14:50,726,039, T duplicated on the plus strand (A on the coding strand, the reverse complement: NIN is on the minus strand). VCF-style (leftmost placement, unchanged base first): chr14-50726038-A-AT. GRCh37 (hg19) VCF-style: chr14-51192756-A-AT.
Other names: c.3967dup, p.Met1323fs (NM_016350.5); c.6106dup, p.Met2036fs (NM_182946.2); short protein forms M1323fs, M2036fs.
Identifiers: ClinVar variation 2766961 (VCV002766961.3), dbSNP rs2504810760, ClinGen allele CA2697553906.